The following is an entry in ClinVar:

ClinVar aggregate classification (germline): Benign/Likely benign. Review status: criteria provided, multiple submitters, no conflicts (2 of 4 stars). 7 submissions from 7 submitters: Benign (1); Likely benign (5). 1 of the submissions does not count toward it. Last evaluated 2025-12-30.

Conditions:
ATM-related disorder. Also called: ATM-related disorders; ATM-related condition.
Hereditary cancer-predisposing syndrome. Also called: Tumor predisposition; Hereditary neoplastic syndrome; Neoplastic Syndromes, Hereditary; Hereditary Cancer Syndrome. Identifiers: Orphanet 140162, MedGen C0027672, MeSH D009386, MONDO:0015356.
Familial cancer of breast. Also called: BREAST CANCER, FAMILIAL; Hereditary breast cancer; hereditary breast carcinoma. Identifiers: Orphanet 227535, MedGen C0346153, MONDO:0016419, OMIM 114480. Disease mechanism: loss of function.
Ataxia-telangiectasia syndrome (AT). Also called: ATAXIA-TELANGIECTASIA, COMPLEMENTATION GROUP A; ATAXIA-TELANGIECTASIA, FRESNO VARIANT; Ataxia-telangiectasia; LOUIS-BAR SYNDROME; Cerebello-oculocutaneous telangiectasia; Immunodeficiency with ataxia telangiectasia. Identifiers: Orphanet 100, MedGen C0004135, MONDO:0008840, OMIM 208900.

Allele frequency attached by ClinVar (database versions not stated): gnomAD exomes below 0.00001; gnomAD 0.00001; TOPMed 0.00001.
gnomAD v4.1: 2 of 1,613,912 alleles (0.00012%); highest among the groups gnomAD compares: African/African-American, 0.0027%; no homozygotes.

Submissions (7):

Labcorp Genetics (formerly Invitae), Labcorp
Classification: Likely benign for Ataxia-telangiectasia syndrome. Last evaluated: 2025-12-30. Review status: criteria provided, single submitter. Criteria: Invitae Variant Classification Sherloc (09022015). Collection method: clinical testing. Allele origin: germline.

Myriad Genetics, Inc.
Classification: Benign for Familial cancer of breast. Last evaluated: 2024-05-16. Review status: criteria provided, single submitter. Criteria: Myriad Autosomal Dominant, Autosomal Recessive and X-Linked Classification Criteria (2023). Collection method: clinical testing. Allele origin: unknown.
Comment: This variant is considered benign. This variant is a silent/synonymous amino acid change and it is not expected to impact splicing.

Color Diagnostics, LLC DBA Color Health
Classification: Likely benign for Hereditary cancer-predisposing syndrome. Last evaluated: 2021-06-21. Review status: criteria provided, single submitter. Criteria: ACMG Guidelines, 2015. Collection method: clinical testing. Allele origin: germline.

Women's Health and Genetics/Laboratory Corporation of America, LabCorp
Classification: Likely benign. Last evaluated: 2020-01-31. Review status: criteria provided, single submitter. Criteria: LabCorp Variant Classification Summary - May 2015. Collection method: clinical testing. Allele origin: germline.

GeneDx
Classification: Likely benign. Last evaluated: 2018-02-05. Review status: criteria provided, single submitter. Criteria: GeneDx Variant Classification (06012015). Collection method: clinical testing. Allele origin: germline. Affected: yes.
Comment: This variant is considered likely benign or benign based on one or more of the following criteria: it is a conservative change, it occurs at a poorly conserved position in the protein, it is predicted to be benign by multiple in silico algorithms, and/or has population frequency not consistent with disease.

Ambry Genetics
Classification: Likely benign for Hereditary cancer-predisposing syndrome. Last evaluated: 2015-03-17. Review status: criteria provided, single submitter. Criteria: Ambry Variant Classification Scheme 2023. Collection method: clinical testing. Allele origin: germline.

PreventionGenetics, part of Exact Sciences
Classification: Likely benign for ATM-related condition. Last evaluated: 2020-02-13. Review status: no assertion criteria provided. Collection method: clinical testing. Allele origin: germline. Not counted in ClinVar's aggregate classification.
Comment: This variant is classified as likely benign based on ACMG/AMP sequence variant interpretation guidelines (Richards et al. 2015 PMID: 25741868, with internal and published modifications).

NM_000051.4(ATM):c.4056T>C (p.His1352=)

Gene: ATM (ATM serine/threonine kinase; plus strand). Cytogenetic location: 11q22.3.
Variant type: single nucleotide variant.
Coding change: c.4056T>C on transcript NM_000051.4 (MANE Select); coding-DNA position 4056, T replaced by C.
Protein change: p.His1352=; no amino-acid change (histidine 1352 retained).
Molecular consequence: synonymous variant.
Genome position (GRCh38, 1-based): chr11:108,287,662, T>C. VCF-style: chr11-108287662-T-C. GRCh37 (hg19) VCF-style: chr11-108158389-T-C.
Other names: c.4056T>C, p.His1352= (NM_001351834.2).
Identifiers: ClinVar variation 135752 (VCV000135752.20), dbSNP rs587780622, ClinGen allele CA193677.